The following is an entry in ClinVar:

NM_001206744.2(TPO):c.650A>G (p.Asn217Ser)

Gene: TPO (thyroid peroxidase; plus strand). Cytogenetic location: 2p25.3.
Variant type: single nucleotide variant.
Coding change: c.650A>G on transcript NM_001206744.2 (MANE Select); coding-DNA position 650, A replaced by G.
Protein change: p.Asn217Ser; replaces asparagine 217 with serine.
Molecular consequence: missense variant.
Genome position (GRCh38, 1-based): chr2:1,456,113, A>G. VCF-style: chr2-1456113-A-G. GRCh37 (hg19) VCF-style: chr2-1459885-A-G.
Other names: NC_000002.11:g.1459885A>G; c.650A>G, p.Asn217Ser (NM_000547.6, NM_001206745.2, NM_175719.4 and 2 more transcripts); short protein forms N217S.
Identifiers: ClinVar variation 331310 (VCV000331310.9), dbSNP rs148683218, ClinGen allele CA1511524.

ClinVar aggregate classification (germline): Uncertain significance. Review status: criteria provided, multiple submitters, no conflicts (2 of 4 stars). 3 submissions from 3 submitters: Uncertain significance (3). Last evaluated 2023-08-11.

Conditions:
TPO-related disorder. Also called: TPO-related condition.
Deficiency of iodide peroxidase (TDH2A). Also called: HYPOTHYROIDISM, CONGENITAL, DUE TO DYSHORMONOGENESIS, 2A; IODIDE PEROXIDASE DEFICIENCY; THYROID HORMONOGENESIS, GENETIC DEFECT IN, 2A; THYROID PEROXIDASE DEFICIENCY; Thyroid dyshormonogenesis 2A. Identifiers: Orphanet 95716, MedGen C1291299, MONDO:0010133, OMIM 274500.
Hypothyroidism due to TSH receptor mutations. Also called: HYPOTHYROIDISM DUE TO UNRESPONSIVENESS TO THYROTROPIN; HYPOTHYROIDISM, CONGENITAL, DUE TO TSH RESISTANCE; HYPOTHYROIDISM, NONAUTOIMMUNE; THYROID-STIMULATING HORMONE, RESISTANCE TO; TSH RESISTANCE; Hypothyroidism, congenital, nongoitrous, 1. Identifiers: Orphanet 90673, MedGen C3493776, MONDO:0010142, OMIM 275200.

Allele frequency attached by ClinVar (database versions not stated): gnomAD 0.00007 and 0.00009; TOPMed 0.00009; gnomAD exomes 0.00012 and 0.00018; ExAC 0.00013; ESP Exome Variant Server 0.00015.
gnomAD v4.1: 265 of 1,613,896 alleles (0.016%); highest among the groups gnomAD compares: Non-Finnish European, 0.021%; no homozygotes.

Submissions (4):

PreventionGenetics, part of Exact Sciences
Classification: Uncertain significance for TPO-related condition. Last evaluated: 2023-08-11. Review status: criteria provided, single submitter. Criteria: ACMG Guidelines, 2015. Collection method: clinical testing. Allele origin: germline.
Comment: The TPO c.650A>G variant is predicted to result in the amino acid substitution p.Asn217Ser. To our knowledge, this variant has not been reported in the literature. This variant is reported in 0.021% of alleles in individuals of European (Non-Finnish) descent in gnomAD. At this time, the clinical significance of this variant is uncertain due to the absence of conclusive functional and genetic evidence.

Genetics and Molecular Pathology, SA Pathology
Classification: Uncertain significance for Hypothyroidism due to TSH receptor mutations. Last evaluated: 2020-05-08. Review status: criteria provided, single submitter. Criteria: ACMG Guidelines, 2015. Collection method: clinical testing. Allele origin: germline. Affected: yes.
Comment: The TPO c.650A>G variant is classified as VUS The TPO c.650A>G variant is a single nucleotide change in exon Missing Exon of the TPO gene, which is predicted to change the amino acid asparagine at position 217 in the protein to serine. Population data not informative for path nor benign. Conflicting pathogenetic predictors, leaning towards benign. The variant has been reported in dbSNP (rs148683218) and has been reported as Uncertain significance by other diagnostic laboratories (ClinVar Variation ID: 331310). It has not been reported in HGMD. Very little information present, none definitive for either pathogenic nor benign.

Illumina Laboratory Services, Illumina
Classification: Uncertain significance for Deficiency of iodide peroxidase. Last evaluated: 2018-01-13. Review status: criteria provided, single submitter. Criteria: ICSL Variant Classification Criteria 13 December 2019. Collection method: clinical testing. Allele origin: germline.

Dr. Peter K. Rogan Lab, Western University
No classification provided (evidence only). Condition: Lung cancer. Review status: no classification provided. Collection method: in vitro. Allele origin: not applicable. Functional consequence: retained intron. Not counted in ClinVar's aggregate classification.